The following is an entry in ClinVar:

NM_003000.3(SDHB):c.106G>T (p.Ala36Ser)

Gene: SDHB (succinate dehydrogenase complex iron sulfur subunit B; minus strand). Cytogenetic location: 1p36.13.
Variant type: single nucleotide variant.
Coding change: c.106G>T on transcript NM_003000.3 (MANE Select); coding-DNA position 106, G replaced by T.
Protein change: p.Ala36Ser; replaces alanine 36 with serine.
Molecular consequence: missense variant.
Genome position (GRCh38, 1-based): chr1:17,044,855, C>A on the plus strand (G>T on the coding strand, the complement: SDHB is on the minus strand). VCF-style: chr1-17044855-C-A. GRCh37 (hg19) VCF-style: chr1-17371350-C-A.
Other names: short protein forms A36S.
Identifiers: ClinVar variation 528733 (VCV000528733.9), dbSNP rs1204932232, ClinGen allele CA338228304.

ClinVar aggregate classification (germline): Uncertain significance. Review status: criteria provided, multiple submitters, no conflicts (2 of 4 stars). 3 submissions from 3 submitters: Uncertain significance (3). Last evaluated 2026-07-02.

Conditions:
Hereditary pheochromocytoma and paraganglioma. Also called: Hereditary pheochromocytoma-paraganglioma; Hereditary paragangliomas and pheochromocytomas; Hereditary Paraganglioma-Pheochromocytoma Syndromes. Identifiers: Orphanet 29072, MedGen C4274332, MONDO:0017366.
Gastrointestinal stromal tumor. Also called: Gastrointestinal stroma tumor; Gastrointestinal stromal tumor, somatic. Identifiers: Orphanet 44890, MedGen C0238198, MeSH D046152, MONDO:0011719, OMIM 606764, HP:0100723.
Pheochromocytoma/paraganglioma syndrome 4. Also called: SDHB-Related Hereditary Paraganglioma-Pheochromocytoma Syndrome (Paragangliomas 4); PARAGANGLIOMA, FAMILIAL MALIGNANT; PARAGANGLIOMAS, HEREDITARY EXTRAADRENAL; PHEOCHROMOCYTOMA, FAMILIAL EXTRAADRENAL; SDHB-Related Hereditary Paraganglioma-Pheochromocytoma Syndrome; Paragangliomas 4. Identifiers: Orphanet 29072, MedGen C1861848, MONDO:0007273, OMIM 115310.
Pheochromocytoma. Also called: MAX-Related Hereditary Paraganglioma-Pheochromocytoma Syndrome. Identifiers: Orphanet 29072, MedGen C0031511, MONDO:0008233, OMIM 171300, HP:0002666.
Hereditary cancer-predisposing syndrome. Also called: Hereditary Cancer Syndrome; Tumor predisposition; Hereditary neoplastic syndrome; Neoplastic Syndromes, Hereditary. Identifiers: Orphanet 140162, MedGen C0027672, MeSH D009386, MONDO:0015356.

gnomAD v4.1: 1 of 1,613,932 alleles (0.000062%); no homozygotes.

Submissions (3):

Ambry Genetics
Classification: Uncertain significance for Hereditary cancer-predisposing syndrome. Last evaluated: 2026-07-02. Review status: criteria provided, single submitter. Criteria: Ambry Variant Classification Scheme 2023. Collection method: clinical testing. Allele origin: germline.
Comment: The p.A36S variant (also known as c.106G>T), located in coding exon 2 of the SDHB gene, results from a G to T substitution at nucleotide position 106. The alanine at codon 36 is replaced by serine, an amino acid with similar properties. This amino acid position is conserved. In addition, the in silico prediction for this alteration is inconclusive. Based on the available evidence, the clinical significance of this variant remains unclear.

Labcorp Genetics (formerly Invitae), Labcorp
Classification: Uncertain significance for Gastrointestinal stromal tumor; Pheochromocytoma/paraganglioma syndrome 4; Pheochromocytoma. Last evaluated: 2025-12-31. Review status: criteria provided, single submitter. Criteria: Invitae Variant Classification Sherloc (09022015). Collection method: clinical testing. Allele origin: germline.
Comment: This sequence change replaces alanine, which is neutral and non-polar, with serine, which is neutral and polar, at codon 36 of the SDHB protein (p.Ala36Ser). This variant is not present in population databases (gnomAD no frequency). This variant has not been reported in the literature in individuals affected with SDHB-related conditions. ClinVar contains an entry for this variant (Variation ID: 528733). Invitae Evidence Modeling of protein sequence and biophysical properties (such as structural, functional, and spatial information, amino acid conservation, physicochemical variation, residue mobility, and thermodynamic stability) indicates that this missense variant is not expected to disrupt SDHB protein function with a negative predictive value of 95%. In summary, the available evidence is currently insufficient to determine the role of this variant in disease. Therefore, it has been classified as a Variant of Uncertain Significance.

Color Diagnostics, LLC DBA Color Health
Classification: Uncertain significance for Hereditary pheochromocytoma and paraganglioma. Last evaluated: 2025-07-07. Review status: criteria provided, single submitter. Criteria: ACMG Guidelines, 2015. Collection method: clinical testing. Allele origin: germline.
Comment: This missense variant replaces alanine with serine at codon 36 of the SDHB protein. Computational prediction suggests that this variant may not impact protein structure and function. To our knowledge, functional studies have not been reported for this variant. This variant has not been reported in individuals affected with SDHB-related disorders in the literature. This variant has not been identified in the general population by the Genome Aggregation Database (gnomAD). The available evidence is insufficient to determine the role of this variant in disease conclusively. Therefore, this variant is classified as a Variant of Uncertain Significance.